The following is an entry in ClinVar:

ClinVar aggregate classification (germline): Uncertain significance (1 of 4 stars; one submission).

Conditions:
Hereditary cancer-predisposing syndrome. Also called: Tumor predisposition; Neoplastic Syndromes, Hereditary; Hereditary neoplastic syndrome; Hereditary Cancer Syndrome. Identifiers: Orphanet 140162, MedGen C0027672, MeSH D009386, MONDO:0015356.
Rhabdoid tumor predisposition syndrome 2 (RTPS2). Identifiers: Orphanet 231108, Orphanet 69077, MedGen C2750074, MONDO:0013224, OMIM 613325.

gnomAD v4.1: 1 of 1,614,006 alleles (0.000062%); highest among the groups gnomAD compares: African/African-American, 0.0013%; no homozygotes.

Submission:

Ambry Genetics
Classification: Uncertain significance for Hereditary cancer-predisposing syndrome. Last evaluated: 2024-10-11. Review status: criteria provided, single submitter. Criteria: Ambry Variant Classification Scheme 2023. Collection method: clinical testing. Allele origin: germline.
Comment: The p.Q383R variant (also known as c.1148A>G), located in coding exon 6 of the SMARCA4 gene, results from an A to G substitution at nucleotide position 1148. The glutamine at codon 383 is replaced by arginine, an amino acid with highly similar properties. This amino acid position is conserved. In addition, this alteration is predicted to be tolerated by in silico analysis. Based on the available evidence, the clinical significance of this variant remains unclear.

NM_003072.5(SMARCA4):c.1148A>G (p.Gln383Arg)

Gene: SMARCA4 (SWI/SNF related BAF chromatin remodeling complex subunit ATPase 4; plus strand). Cytogenetic location: 19p13.2.
Variant type: single nucleotide variant.
Coding change: c.1148A>G on transcript NM_003072.5 (MANE Select); coding-DNA position 1148, A replaced by G.
Protein change: p.Gln383Arg; replaces glutamine 383 with arginine.
Molecular consequence: missense variant. On other transcripts: non-coding transcript variant (1).
Genome position (GRCh38, 1-based): chr19:10,989,346, A>G. VCF-style: chr19-10989346-A-G. GRCh37 (hg19) VCF-style: chr19-11100022-A-G.
Other names: c.1148A>G, p.Gln383Arg (NM_001128844.3, NM_001128845.2, NM_001128846.2 and 6 more transcripts); short protein forms Q383R.
Identifiers: ClinVar variation 3446010 (VCV003446010.2).